The following is an entry in ClinVar:

NM_000141.5(FGFR2):c.812GAG[1] (p.Gly272del)

Gene: FGFR2 (fibroblast growth factor receptor 2; minus strand). Cytogenetic location: 10q26.13.
Variant type: Microsatellite.
Coding change: c.812GAG[1] on transcript NM_000141.5 (MANE Select); one copy of the 3-base unit GAG starting at c.812; the reference has two copies in a row; one copy, 3 bases deleted; also written c.815_817del.
Protein change: p.Gly272del; deletes glycine 272.
Molecular consequence: inframe deletion. On other transcripts: inframe indel (2), non-coding transcript variant (1), intron variant (1).
Genome position (GRCh38, 1-based): chr10:121,520,101-121,520,103, CTC deleted on the plus strand (GAG on the coding strand, the reverse complement: FGFR2 is on the minus strand); deleting any 3 consecutive bases within chr10:121,520,101-121,520,107 gives the same sequence; the position shown is the placement nearest the transcript's 3' end. VCF-style (leftmost placement, unchanged base first): chr10-121520100-TCTC-T. GRCh37 (hg19) VCF-style: chr10-123279614-TCTC-T.
Other names: c.811_813GGA[1], p.Gly272del (NM_000141.4); c.812GAG[1], p.Gly272del (NM_001144913.1, NM_001144917.2, NM_001320658.2 and 1 more transcripts); c.545GAG[1], p.Gly183del (NM_001144915.2, NM_001144919.2); c.467GAG[1], p.Gly157del (NM_001144916.2, NM_001144918.2); c.128GAG[1], p.Gly44del (NM_001320654.2); c.544_546GGA[1], p.Gly183del (NM_023029.3); c.749-4784_749-4782del (NM_001144914.1); c.815_817delGAG (NM_000141.4); and 1 more; short protein forms G157del, G44del, G272del, G183del.
Identifiers: ClinVar variation 2780194 (VCV002780194.5), dbSNP rs2540122419, ClinGen allele CA2695212852.

ClinVar aggregate classification (germline): Likely pathogenic. Review status: criteria provided, multiple submitters, no conflicts (2 of 4 stars). 3 submissions from 3 submitters: Likely pathogenic (3). Last evaluated 2025-06-20.

Conditions:
Inborn genetic diseases. Identifiers: MedGen C0950123, MeSH D030342.
FGFR2-related craniosynostosis. Identifiers: MedGen CN231480.

Submissions (3):

Ambry Genetics
Classification: Likely pathogenic for Inborn genetic diseases. Last evaluated: 2025-06-20. Review status: criteria provided, single submitter. Criteria: Ambry Variant Classification Scheme 2023. Collection method: clinical testing. Allele origin: germline.
Comment: The c.815_817delGAG (p.G272del) alteration is located in exon 7 (coding exon 6) of the FGFR2 gene. This alteration consists of an in-frame deletion of 3 nucleotides between nucleotide positions c.815 and c.817, resulting in the deletion of 1 residue. for FGFR2-related craniosynostosis disorders; however, its clinical significance for FGFR2-related lacrimoauriculodentodigital syndrome is uncertain. This variant was not reported in population-based cohorts in the Genome Aggregation Database (gnomAD). This variant was reported in individual(s) with features consistent with FGFR2-related craniosynostosis disorders; in at least one individual, it was determined to be de novo (Hennocq, 2024; Wu, 2021). This amino acid position is not well conserved in available vertebrate species. This alteration is predicted to be deleterious by in silico analysis (Choi, 2012). Based on the available evidence, this alteration is classified as likely pathogenic.

Centre for Clinical Genetics and Genomic Diagnostics, Zealand University Hospital
Classification: Likely pathogenic. Last evaluated: 2024-11-25. Review status: criteria provided, single submitter. Criteria: ACMG Guidelines, 2015. Collection method: clinical testing. Allele origin: de novo. Affected: yes.

Labcorp Genetics (formerly Invitae), Labcorp
Classification: Likely pathogenic for FGFR2-related craniosynostosis. Last evaluated: 2023-05-20. Review status: criteria provided, single submitter. Criteria: Invitae Variant Classification Sherloc (09022015). Collection method: clinical testing. Allele origin: germline.
Comment: This variant, c.815_817del, results in the deletion of 1 amino acid(s) of the FGFR2 protein (p.Gly272del), but otherwise preserves the integrity of the reading frame. This variant is not present in population databases (gnomAD no frequency). This variant has been observed in individual(s) with Crouzon syndrome (PMID: 33547006; Invitae). In at least one individual the variant was observed to be de novo. In summary, the currently available evidence indicates that the variant is pathogenic, but additional data are needed to prove that conclusively. Therefore, this variant has been classified as Likely Pathogenic.

Literature cited by the submitters: PubMed 33547006 (cited by Ambry Genetics and Labcorp Genetics (formerly Invitae), Labcorp); PubMed 39187417 (cited by Ambry Genetics).